The following is an entry in ClinVar:

NM_001378615.1(CC2D2A):c.2458T>C (p.Leu820=)

Genes: CC2D2A (coiled-coil and C2 domain containing 2A; plus strand), FBXL5 (F-box and leucine rich repeat protein 5; minus strand). Cytogenetic location: 4p15.32.
Variant type: single nucleotide variant.
Coding change: c.2458T>C on transcript NM_001378615.1 (MANE Select); coding-DNA position 2458, T replaced by C.
Protein change: p.Leu820=; no amino-acid change (leucine 820 retained).
Molecular consequence: synonymous variant.
Genome position (GRCh38, 1-based): chr4:15,553,277, T>C. VCF-style: chr4-15553277-T-C. GRCh37 (hg19) VCF-style: chr4-15554900-T-C.
Other names: c.2458T>C, p.Leu820= (NM_001080522.2); c.2311T>C, p.Leu771= (NM_001378617.1).
Identifiers: ClinVar variation 2935231 (VCV002935231.5), dbSNP rs2475026514, ClinGen allele CA438388843.

ClinVar aggregate classification (germline): Likely benign. Review status: criteria provided, single submitter (1 of 4 stars). 2 submissions from 2 submitters: Likely benign (1). 1 of the submissions does not count toward it. Last evaluated 2023-09-10.

Conditions:
CC2D2A-related disorder. Also called: CC2D2A-related condition; CC2D2A-related disorders. Identifiers: MedGen CN239313.
Joubert syndrome. Also called: JOUBERT-BOLTSHAUSER SYNDROME; Familial aplasia of the vermis. Identifiers: Orphanet 475, MedGen C5979921, MONDO:0018772.
Meckel-Gruber syndrome. Also called: DYSENCEPHALIA SPLANCHNOCYSTICA; GRUBER SYNDROME; Dysencephalia splachnocystica. Identifiers: Orphanet 564, MedGen C0265215, MONDO:0018921.

Allele frequency attached by ClinVar (database versions not stated): gnomAD exomes below 0.00001.
gnomAD v4.1: 3 of 1,613,116 alleles (0.00019%); highest among the groups gnomAD compares: Non-Finnish European, 0.00017%; no homozygotes.

Submissions (2):

Labcorp Genetics (formerly Invitae), Labcorp
Classification: Likely benign for Joubert syndrome; Meckel-Gruber syndrome. Last evaluated: 2023-09-10. Review status: criteria provided, single submitter. Criteria: Invitae Variant Classification Sherloc (09022015). Collection method: clinical testing. Allele origin: germline.

PreventionGenetics, part of Exact Sciences
Classification: Likely benign for CC2D2A-related condition. Last evaluated: 2021-03-19. Review status: no assertion criteria provided. Collection method: clinical testing. Allele origin: germline. Not counted in ClinVar's aggregate classification.
Comment: This variant is classified as likely benign based on ACMG/AMP sequence variant interpretation guidelines (Richards et al. 2015 PMID: 25741868, with internal and published modifications).